The following is an entry in ClinVar:

NM_005559.4(LAMA1):c.2872T>A (p.Ser958Thr)

Gene: LAMA1 (laminin subunit alpha 1; minus strand). Cytogenetic location: 18p11.31.
Variant type: single nucleotide variant.
Coding change: c.2872T>A on transcript NM_005559.4 (MANE Select); coding-DNA position 2872, T replaced by A.
Protein change: p.Ser958Thr; replaces serine 958 with threonine.
Molecular consequence: missense variant.
Genome position (GRCh38, 1-based): chr18:7,016,608, A>T on the plus strand (T>A on the coding strand, the complement: LAMA1 is on the minus strand). VCF-style: chr18-7016608-A-T. GRCh37 (hg19) VCF-style: chr18-7016607-A-T.
Other names: short protein forms S958T.
Identifiers: ClinVar variation 1939511 (VCV001939511.5), dbSNP rs1018929575, ClinGen allele CA295780390.

ClinVar aggregate classification (germline): Uncertain significance (1 of 4 stars; one submission).

Allele frequency attached by ClinVar (database versions not stated): gnomAD exomes below 0.00001; TOPMed below 0.00001.
gnomAD v4.1: 1 of 1,614,174 alleles (0.000062%); highest among the groups gnomAD compares: Non-Finnish European, 0.000085%; no homozygotes.

Submission:

Labcorp Genetics (formerly Invitae), Labcorp
Classification: Uncertain significance. Last evaluated: 2022-08-08. Review status: criteria provided, single submitter. Criteria: Invitae Variant Classification Sherloc (09022015). Collection method: clinical testing. Allele origin: germline.
Comment: This variant has not been reported in the literature in individuals affected with LAMA1-related conditions. This variant is not present in population databases (gnomAD no frequency). This sequence change replaces serine, which is neutral and polar, with threonine, which is neutral and polar, at codon 958 of the LAMA1 protein (p.Ser958Thr). In summary, the available evidence is currently insufficient to determine the role of this variant in disease. Therefore, it has been classified as a Variant of Uncertain Significance. Algorithms developed to predict the effect of missense changes on protein structure and function are either unavailable or do not agree on the potential impact of this missense change (SIFT: "Deleterious"; PolyPhen-2: "Probably Damaging"; Align-GVGD: "Class C0").